The following is an entry in ClinVar:

NM_201384.3(PLEC):c.2701C>T (p.Arg901Cys)

Gene: PLEC (plectin; minus strand). Cytogenetic location: 8q24.3.
Variant type: single nucleotide variant.
Coding change: c.2701C>T on transcript NM_201384.3 (MANE Select); coding-DNA position 2701, C replaced by T.
Protein change: p.Arg901Cys; replaces arginine 901 with cysteine.
Molecular consequence: missense variant.
Genome position (GRCh38, 1-based): chr8:143,929,974, G>A on the plus strand (C>T on the coding strand, the complement: PLEC is on the minus strand). VCF-style: chr8-143929974-G-A. GRCh37 (hg19) VCF-style: chr8-145004142-G-A.
Other names: c.2782C>T, p.Arg928Cys (NM_000445.5); c.2659C>T, p.Arg887Cys (NM_201378.4); c.2635C>T, p.Arg879Cys (NM_201379.3); c.3112C>T, p.Arg1038Cys (NM_201380.4); c.2605C>T, p.Arg869Cys (NM_201381.3); c.2701C>T, p.Arg901Cys (NM_201382.4); c.2713C>T, p.Arg905Cys (NM_201383.3); c.2782C>T (NM_000445.3); short protein forms R901C, R905C, R928C, R1038C, R869C, R879C, R887C.
Identifiers: ClinVar variation 943758 (VCV000943758.11), dbSNP rs782577033, ClinGen allele CA4927412.

ClinVar aggregate classification (germline): Uncertain significance. Review status: criteria provided, multiple submitters, no conflicts (2 of 4 stars). 2 submissions from 2 submitters: Uncertain significance (2). Last evaluated 2025-10-18.

Conditions:
Inborn genetic diseases. Identifiers: MedGen C0950123, MeSH D030342.
Epidermolysis bullosa simplex 5B, with muscular dystrophy (EBS5B). Also called: EPIDERMOLYSIS BULLOSA SIMPLEX AND LIMB-GIRDLE MUSCULAR DYSTROPHY; Epidermolysis bullosa simplex with muscular dystrophy. Identifiers: Orphanet 257, MedGen C2931072, MONDO:0009181, OMIM 226670.
Epidermolysis bullosa simplex with nail dystrophy (EBS5D). Identifiers: MedGen C4225309, MONDO:0014661, OMIM 616487.
Epidermolysis bullosa simplex, Ogna type (EBS5A). Also called: EPIDERMOLYSIS BULLOSA SIMPLEX 5A, OGNA TYPE; Pidermolysis bullosa simplex 5A, Ogna type. Identifiers: Orphanet 79401, MedGen C0432317, MONDO:0007555, OMIM 131950.
Autosomal recessive limb-girdle muscular dystrophy type 2Q (LGMDR17). Also called: MUSCULAR DYSTROPHY, LIMB-GIRDLE, AUTOSOMAL RECESSIVE 17. Identifiers: Orphanet 254361, MedGen C3150989, MONDO:0013390, OMIM 613723.
Epidermolysis bullosa simplex 5C, with pyloric atresia (EBS5C). Also called: Epidermolysis bullosa simplex with pyloric atresia; PLEC-Related Epidermolysis Bullosa with Pyloric Atresia; PLEC1-Related Epidermolysis Bullosa with Pyloric Atresia. Identifiers: Orphanet 158684, MedGen C2677349, MONDO:0012807, OMIM 612138.

Allele frequency attached by ClinVar (database versions not stated): gnomAD 0.00001; gnomAD exomes 0.00001 and 0.00004; ExAC 0.00002; TOPMed 0.00003.
gnomAD v4.1: 19 of 1,611,382 alleles (0.0012%); highest among the groups gnomAD compares: Admixed American, 0.01%; no homozygotes.

Submissions (2):

Ambry Genetics
Classification: Uncertain significance for Inborn genetic diseases. Last evaluated: 2025-10-18. Review status: criteria provided, single submitter. Criteria: Ambry Variant Classification Scheme 2023. Collection method: clinical testing. Allele origin: germline.

Labcorp Genetics (formerly Invitae), Labcorp
Classification: Uncertain significance for Autosomal recessive limb-girdle muscular dystrophy type 2Q; Epidermolysis bullosa simplex, Ogna type; Epidermolysis bullosa simplex with nail dystrophy; Epidermolysis bullosa simplex 5C, with pyloric atresia; Epidermolysis bullosa simplex 5B, with muscular dystrophy. Last evaluated: 2024-10-29. Review status: criteria provided, single submitter. Criteria: Invitae Variant Classification Sherloc (09022015). Collection method: clinical testing. Allele origin: germline.
Comment: This sequence change replaces arginine, which is basic and polar, with cysteine, which is neutral and slightly polar, at codon 928 of the PLEC protein (p.Arg928Cys). This variant is present in population databases (rs782577033, gnomAD 0.02%). This variant has not been reported in the literature in individuals affected with PLEC-related conditions. ClinVar contains an entry for this variant (Variation ID: 943758). Invitae Evidence Modeling of protein sequence and biophysical properties (such as structural, functional, and spatial information, amino acid conservation, physicochemical variation, residue mobility, and thermodynamic stability) has been performed for this missense variant. However, the output from this modeling did not meet the statistical confidence thresholds required to predict the impact of this variant on PLEC protein function. In summary, the available evidence is currently insufficient to determine the role of this variant in disease. Therefore, it has been classified as a Variant of Uncertain Significance.